The following is an entry in ClinVar:

NM_145068.4(TRPV3):c.*2054A>T

Genes: SPATA22 (spermatogenesis associated 22; minus strand), TRPV3 (transient receptor potential cation channel subfamily V member 3; minus strand). Cytogenetic location: 17p13.2.
Variant type: single nucleotide variant.
Coding change: c.*2054A>T on transcript NM_145068.4 (MANE Select); 2054 bases downstream of the stop codon, A replaced by T.
Molecular consequence: 3 prime UTR variant. On other transcripts: intron variant (2).
Genome position (GRCh38, 1-based): chr17:3,511,863, T>A on the plus strand (A>T on the coding strand, the complement: TRPV3 is on the minus strand). VCF-style: chr17-3511863-T-A. GRCh37 (hg19) VCF-style: chr17-3415157-T-A.
Other names: c.*2054A>T (NM_001258205.2); c.-74+1549A>T (NM_001321336.2, NM_001321337.2).
Identifiers: ClinVar variation 322705 (VCV000322705.8), dbSNP rs554529243, ClinGen allele CA10649873.

ClinVar aggregate classification (germline): Benign. Review status: criteria provided, multiple submitters, no conflicts (2 of 4 stars). 2 submissions from 2 submitters: Benign (2). Last evaluated 2018-01-13.

Conditions:
Isolated focal non-epidermolytic palmoplantar keratoderma. Also called: Palmoplantar keratoderma, nonepidermolytic, focal 2. Identifiers: Orphanet 448264, MedGen C4225339, MONDO:0014622, OMIM 616400.

Allele frequency attached by ClinVar (database versions not stated): TOPMed 0.00002; 1000 Genomes Project 0.00280; 1000 Genomes Project 30x 0.00265.

Submissions (2):

Illumina Laboratory Services, Illumina
Classification: Benign for Isolated focal non-epidermolytic palmoplantar keratoderma. Last evaluated: 2018-01-13. Review status: criteria provided, single submitter. Criteria: ICSL Variant Classification Criteria 13 December 2019. Collection method: clinical testing. Allele origin: germline.
Comment: This variant was observed in the ICSL laboratory as part of a predisposition screen in an ostensibly healthy population. It had not been previously curated by ICSL or reported in the Human Gene Mutation Database (HGMD: prior to June 1st, 2018), and was therefore a candidate for classification through an automated scoring system. Utilizing variant allele frequency, disease prevalence and penetrance estimates, and inheritance mode, an automated score was calculated to assess if this variant is too frequent to cause the disease. Based on the score and internal cut-off values, a variant classified as benign is not then subjected to further curation. The score for this variant resulted in a classification of benign for this disease.

Breakthrough Genomics
Classification: Benign. Review status: criteria provided, single submitter. Criteria: ACMG Guidelines, 2015. Collection method: not provided. Allele origin: germline. Inheritance: Autosomal dominant inheritance. Affected: yes.